The following is an entry in ClinVar:

NM_005045.4(RELN):c.3002A>C (p.Lys1001Thr)

Gene: RELN (reelin; minus strand). Cytogenetic location: 7q22.1.
Variant type: single nucleotide variant.
Coding change: c.3002A>C on transcript NM_005045.4 (MANE Select); coding-DNA position 3002, A replaced by C.
Protein change: p.Lys1001Thr; replaces lysine 1001 with threonine.
Molecular consequence: missense variant.
Genome position (GRCh38, 1-based): chr7:103,610,701, T>G on the plus strand (A>C on the coding strand, the complement: RELN is on the minus strand). VCF-style: chr7-103610701-T-G. GRCh37 (hg19) VCF-style: chr7-103251148-T-G.
Other names: c.3002A>C, p.Lys1001Thr (NM_173054.3); short protein forms K1001T.
Identifiers: ClinVar variation 3758555 (VCV003758555.2).
Genomic context (GRCh38, chr7:103,610,701, plus strand): 5'-CAAAAGGGATAGTCAAAGTTAAAGTGACAGCCATATCTAAAGATGTCATCTCACCAAGTT[T>G]TCTGGGGAAGAAGCACTATGACTCTCCTCCACTGTGTAAACTCACTGGCATGGTAAATAC-3'
Protein context (NP_005036.2, residues 991-1011): WRRVIVLLPQ[Lys1001Thr]TWSSATRFRW

ClinVar aggregate classification (germline): Uncertain significance (1 of 4 stars; one submission).

Conditions:
Norman-Roberts syndrome (LIS2). Also called: Lissencephaly 2 (Norman-Roberts type). Identifiers: Orphanet 89844, MedGen C0796089, MONDO:0009760, OMIM 257320.
Familial temporal lobe epilepsy 7. Identifiers: Orphanet 101046, MedGen C4225327, MONDO:0014639, OMIM 616436.

Submission:

Labcorp Genetics (formerly Invitae), Labcorp
Classification: Uncertain significance for Familial temporal lobe epilepsy 7; Norman-Roberts syndrome. Last evaluated: 2025-01-06. Review status: criteria provided, single submitter. Criteria: Invitae Variant Classification Sherloc (09022015). Collection method: clinical testing. Allele origin: germline.
Comment: This sequence change replaces lysine, which is basic and polar, with threonine, which is neutral and polar, at codon 1001 of the RELN protein (p.Lys1001Thr). This variant is not present in population databases (gnomAD no frequency). This variant has not been reported in the literature in individuals affected with RELN-related conditions. Invitae Evidence Modeling of protein sequence and biophysical properties (such as structural, functional, and spatial information, amino acid conservation, physicochemical variation, residue mobility, and thermodynamic stability) indicates that this missense variant is not expected to disrupt RELN protein function with a negative predictive value of 80%. In summary, the available evidence is currently insufficient to determine the role of this variant in disease. Therefore, it has been classified as a Variant of Uncertain Significance.